The following is an entry in ClinVar:

NM_004646.4(NPHS1):c.2540_2543del (p.Thr847fs)

Gene: NPHS1 (NPHS1 adhesion molecule, nephrin; minus strand). Cytogenetic location: 19q13.12.
Variant type: Microsatellite.
Coding change: c.2540_2543del on transcript NM_004646.4 (MANE Select); coding-DNA positions 2540 to 2543, 4 bases deleted (CTAA; older notation c.2540_2543delCTAA).
Protein change: p.Thr847fs; shifts the reading frame from threonine 847.
Molecular consequence: frameshift variant.
Genome position (GRCh38, 1-based): chr19:35,842,244-35,842,247, TTAG deleted on the plus strand (CTAA on the coding strand, the reverse complement: NPHS1 is on the minus strand); deleting any 4 consecutive bases within chr19:35,842,244-35,842,251 gives the same sequence; the c. name uses the placement nearest the transcript's 3' end. VCF-style (leftmost placement, unchanged base first): chr19-35842243-CTTAG-C. GRCh37 (hg19) VCF-style: chr19-36333145-CTTAG-C.
Other names: c.2540_2543delCTAA (NM_004646.3, NM_004646.4); c.2540_2543del (NM_004646.3); short protein forms T847fs.
Identifiers: ClinVar variation 555946 (VCV000555946.12), dbSNP rs1244884053, ClinGen allele CA658824411.

ClinVar aggregate classification (germline): Pathogenic. Review status: criteria provided, multiple submitters, no conflicts (2 of 4 stars). 4 submissions from 4 submitters: Pathogenic (3). 1 of the submissions does not count toward it. Last evaluated 2025-03-17.

Conditions:
Finnish congenital nephrotic syndrome (NPHS1). Also called: NEPHROTIC SYNDROME, TYPE 1. Identifiers: Orphanet 839, MedGen C0403399, MONDO:0009732, OMIM 256300.

Submissions (4):

Natera, Inc.
Classification: Pathogenic for Finnish congenital nephrotic syndrome. Last evaluated: 2025-03-17. Review status: criteria provided, single submitter. Criteria: Natera Variant Classification Schema (03/2026). Collection method: clinical testing. Allele origin: germline.
Comment: The c.2540_2543del variant in NPHS1 is a frameshift variant predicted to shift the reading frame beginning at codon 847 and leads to a stop codon 57 codons downstream. This variant is expected to result in nonsense mediated decay, truncation, or a dysfunctional protein product. This variant is rare in the general population with a frequency below the threshold expected for the associated phenotype(s). This variant has been observed in one or more individuals affected with the associated recessive disease, as either homozygous or compound heterozygous with a second variant (PMID: 19812541). Given the available evidence, this variant is classified as Pathogenic.

Women's Health and Genetics/Laboratory Corporation of America, LabCorp
Classification: Pathogenic for Finnish congenital nephrotic syndrome. Last evaluated: 2024-10-28. Review status: criteria provided, single submitter. Criteria: LabCorp Variant Classification Summary - May 2015. Collection method: clinical testing. Allele origin: germline.
Comment: Variant summary: NPHS1 c.2540_2543delCTAA (p.Thr847ArgfsX57) results in a premature termination codon, predicted to cause a truncation of the encoded protein or absence of the protein due to nonsense mediated decay, which are commonly known mechanisms for disease. The frequency data for this variant in gnomAD is considered unreliable, as metrics indicate poor data quality at this position. c.2540_2543delCTAA has been reported in the literature in individuals affected with Nephrotic Syndrome, Type 1 (e.g. Santin_2009). To our knowledge, no experimental evidence demonstrating an impact on protein function has been reported. The following publication have been ascertained in the context of this evaluation (PMID: 19812541). ClinVar contains an entry for this variant (Variation ID: 555946). Based on the evidence outlined above, the variant was classified as pathogenic.

Labcorp Genetics (formerly Invitae), Labcorp
Classification: Pathogenic. Last evaluated: 2022-07-29. Review status: criteria provided, single submitter. Criteria: Invitae Variant Classification Sherloc (09022015). Collection method: clinical testing. Allele origin: germline.
Comment: This premature translational stop signal has been observed in individual(s) with steroid resistant nephrotic syndrome (PMID: 19812541). For these reasons, this variant has been classified as Pathogenic. ClinVar contains an entry for this variant (Variation ID: 555946). This variant is not present in population databases (gnomAD no frequency). This sequence change creates a premature translational stop signal (p.Thr847Argfs*57) in the NPHS1 gene. It is expected to result in an absent or disrupted protein product. Loss-of-function variants in NPHS1 are known to be pathogenic (PMID: 11317351, 11854170, 12039988).

Counsyl
Classification: Pathogenic for Finnish congenital nephrotic syndrome. Last evaluated: 2018-01-04. Review status: no assertion criteria provided. Collection method: clinical testing. Allele origin: unknown. Not counted in ClinVar's aggregate classification.

Literature cited by the submitters: PubMed 19812541 (cited by 4 submitters); PubMed 11317351 (cited by Labcorp Genetics (formerly Invitae), Labcorp); PubMed 11854170 (cited by Labcorp Genetics (formerly Invitae), Labcorp); PubMed 12039988 (cited by Labcorp Genetics (formerly Invitae), Labcorp); PubMed 26668027 (cited by Counsyl).